The following is an entry in ClinVar:

ClinVar aggregate classification (germline): Conflicting classifications of pathogenicity. Review status: criteria provided, conflicting classifications (1 of 4 stars). 8 submissions from 8 submitters: Likely pathogenic (3); Uncertain significance (1); Benign (2); Likely benign (1). 1 of the submissions does not count toward it. Last evaluated 2025-09-05.

Conditions:
Wilson disease (WND). Also called: Wilson's disease. Identifiers: Orphanet 905, MedGen C0019202, MONDO:0010200, OMIM 277900. Disease mechanism: loss of function.

Submissions (8):

Color Diagnostics, LLC DBA Color Health
Classification: Likely pathogenic for Wilson disease. Last evaluated: 2025-09-05. Review status: criteria provided, single submitter. Criteria: ACMG Guidelines, 2015. Collection method: clinical testing. Allele origin: germline.
Comment: This missense variant replaces alanine with glycine at codon 1183 in the metal-binding (N) domain of the ATP7B protein. Computational prediction suggests that this variant may have deleterious impact on protein structure and function. To our knowledge, functional studies have not been reported for this variant. This variant has been observed in individuals affected with autosomal recessive Wilson disease (PMID: 9311736, 9671269, 12325021, 16195917, 16545904), including several cases that were confirmed to be compound heterozygous. This variant has not been identified in the general population by the Genome Aggregation Database (gnomAD). Based on the available evidence, this variant is classified as Likely Pathogenic.

Labcorp Genetics (formerly Invitae), Labcorp
Classification: Likely pathogenic for Wilson disease. Last evaluated: 2024-08-27. Review status: criteria provided, single submitter. Criteria: Invitae Variant Classification Sherloc (09022015). Collection method: clinical testing. Allele origin: germline.
Comment: This sequence change replaces alanine, which is neutral and non-polar, with glycine, which is neutral and non-polar, at codon 1183 of the ATP7B protein (p.Ala1183Gly). This variant is not present in population databases (gnomAD no frequency). This missense change has been observed in individual(s) with clinical features of Wilson disease (PMID: 9671269, 12325021; internal data). ClinVar contains an entry for this variant (Variation ID: 157952). Invitae Evidence Modeling of protein sequence and biophysical properties (such as structural, functional, and spatial information, amino acid conservation, physicochemical variation, residue mobility, and thermodynamic stability) indicates that this missense variant is not expected to disrupt ATP7B protein function with a negative predictive value of 80%. Algorithms developed to predict the effect of sequence changes on RNA splicing suggest that this variant may disrupt the consensus splice site. In summary, the currently available evidence indicates that the variant is pathogenic, but additional data are needed to prove that conclusively. Therefore, this variant has been classified as Likely Pathogenic.

Fulgent Genetics
Classification: Likely pathogenic for Wilson disease. Last evaluated: 2024-02-23. Review status: criteria provided, single submitter. Criteria: ACMG Guidelines, 2015. Collection method: clinical testing. Allele origin: germline.

Genome-Nilou Lab
Classification: Likely benign for Wilson disease. Last evaluated: 2021-08-10. Review status: criteria provided, single submitter. Criteria: ACMG Guidelines, 2015. Collection method: clinical testing. Allele origin: germline. Affected: no.

GeneDx
Classification: Uncertain significance. Last evaluated: 2020-05-29. Review status: criteria provided, single submitter. Criteria: GeneDx Variant Classification Process June 2021. Collection method: clinical testing. Allele origin: germline. Affected: yes.
Comment: Not observed in large population cohorts (Lek et al., 2016); In silico analysis supports that this missense variant has a deleterious effect on protein structure/function; Previously reported in an individual with Wilson disease diagnosed biochemically; unclear if a second variant was also identified in this individual (Loudianos et al., 1998); This variant is associated with the following publications: (PMID: 9671269, 24253677, 22692182)

Mendelics
Classification: Benign for Wilson disease. Last evaluated: 2019-05-28. Review status: criteria provided, single submitter. Criteria: Mendelics Assertion Criteria 2017. Collection method: clinical testing. Allele origin: unknown.

Genetic Services Laboratory, University of Chicago
Classification: Benign. Last evaluated: 2013-02-08. Review status: criteria provided, single submitter. Criteria: ACMG Guidelines, 2007. Collection method: clinical testing. Allele origin: germline. Inheritance: Autosomal recessive inheritance.

Counsyl
Classification: Uncertain significance for Wilson disease. Last evaluated: 2017-05-16. Review status: no assertion criteria provided. Collection method: clinical testing. Allele origin: unknown. Not counted in ClinVar's aggregate classification.

Literature cited by the submitters: PubMed 9311736 (cited by Color Diagnostics, LLC DBA Color Health and Counsyl); PubMed 9671269 (cited by Color Diagnostics, LLC DBA Color Health and Labcorp Genetics (formerly Invitae), Labcorp); PubMed 12325021 (cited by 3 submitters); PubMed 16195917 (cited by Color Diagnostics, LLC DBA Color Health); PubMed 16545904 (cited by Color Diagnostics, LLC DBA Color Health and Counsyl).

NM_000053.4(ATP7B):c.3548C>G (p.Ala1183Gly)

Gene: ATP7B (ATPase copper transporting beta; minus strand). Cytogenetic location: 13q14.3.
Variant type: single nucleotide variant.
Coding change: c.3548C>G on transcript NM_000053.4 (MANE Select); coding-DNA position 3548, C replaced by G.
Protein change: p.Ala1183Gly; replaces alanine 1183 with glycine.
Molecular consequence: missense variant.
Genome position (GRCh38, 1-based): chr13:51,941,089, G>C on the plus strand (C>G on the coding strand, the complement: ATP7B is on the minus strand). VCF-style: chr13-51941089-G-C. GRCh37 (hg19) VCF-style: chr13-52515225-G-C.
Other names: c.2927C>G, p.Ala976Gly (NM_001005918.3); c.3215C>G, p.Ala1072Gly (NM_001243182.2); c.3314C>G, p.Ala1105Gly (NM_001330578.2); c.3296C>G, p.Ala1099Gly (NM_001330579.2); short protein forms A1183G, A1099G, A1105G, A976G, A1072G.
Identifiers: ClinVar variation 157952 (VCV000157952.19), dbSNP rs587783315, ClinGen allele CA171321.
Genomic context (GRCh38, chr13:51,941,089, plus strand): 5'-GCAGAAAACTGTATTTCTGAGAGAGCGGAAGGAAGGCAGAAGCAGAAGATACCGTCAATA[G>C]CCACCAGGATGGCTGTCTGTCCTTTCATCTCGTGGTCTGTCATAGCGTCACTGACATCGC-3'
Protein context (NP_000044.2, residues 1173-1193): EMKGQTAILV[Ala1183Gly]IDGVLCGMIA